The following is an entry in ClinVar:

NM_001183.6(ATP6AP1):c.161+6C>T

Gene: ATP6AP1 (ATPase H+ transporting accessory protein 1; plus strand). Cytogenetic location: Xq28.
Variant type: single nucleotide variant.
Coding change: c.161+6C>T on transcript NM_001183.6 (MANE Select); 6 bases into the intron after coding-DNA position 161, C replaced by T.
Molecular consequence: intron variant.
Genome position (GRCh38, 1-based): chrX:154,428,859, C>T. VCF-style: chrX-154428859-C-T. GRCh37 (hg19) VCF-style: chrX-153657205-C-T.
Identifiers: ClinVar variation 4591449 (VCV004591449.1).
Genomic context (GRCh38, chrX:154,428,859, plus strand): 5'-CGGCGGCGGCAGCGGCGGAGCAGCAGGTCCCGCTGGTGCTGTGGTCGAGTGACCGGTGAG[C>T]GGGCCGGGGTGGGATGCGCTGTGGCGGCTGAGGCGCCCTCGCCCGACTCCGGCGCTGTCC-3'

ClinVar aggregate classification (germline): Uncertain significance (1 of 4 stars; one submission).

Conditions:
Inborn genetic diseases. Identifiers: MedGen C0950123, MeSH D030342.

gnomAD v4.1: 11 of 1,088,523 alleles (0.001%); highest among the groups gnomAD compares: Non-Finnish European, 0.0013%; no homozygotes.

Submission:

Ambry Genetics
Classification: Uncertain significance for Inborn genetic diseases. Last evaluated: 2025-11-24. Review status: criteria provided, single submitter. Criteria: Ambry Variant Classification Scheme 2023. Collection method: clinical testing. Allele origin: germline.
Comment: The c.161+6C>T intronic alteration consists of a C to T substitution 6 nucleotides after coding exon 1 of the ATP6AP1 gene. This variant was not reported in population-based cohorts in the Genome Aggregation Database (gnomAD). This nucleotide position is well conserved in available vertebrate species. In silico splice site analysis predicts that this alteration will not have any significant effect on splicing. Based on insufficient or conflicting evidence, the clinical significance of this alteration remains unclear.